The following is an entry in ClinVar:

NM_152309.3(PIK3AP1):c.807T>G (p.Ile269Met)

Gene: PIK3AP1 (phosphoinositide-3-kinase adaptor protein 1; minus strand). Cytogenetic location: 10q24.1.
Variant type: single nucleotide variant.
Coding change: c.807T>G on transcript NM_152309.3 (MANE Select); coding-DNA position 807, T replaced by G.
Protein change: p.Ile269Met; replaces isoleucine 269 with methionine.
Molecular consequence: missense variant.
Genome position (GRCh38, 1-based): chr10:96,651,557, A>C on the plus strand (T>G on the coding strand, the complement: PIK3AP1 is on the minus strand). VCF-style: chr10-96651557-A-C. GRCh37 (hg19) VCF-style: chr10-98411314-A-C.
Other names: short protein forms I269M.
Identifiers: ClinVar variation 836801 (VCV000836801.1), dbSNP rs1843537852, ClinGen allele CA377747282.
Genomic context (GRCh38, chr10:96,651,557, plus strand): 5'-TAATATCCTTACCTGACACATGAATTCCACAGGATTCGCGGCATTGGACAATAAATTCCC[A>C]ATTTCTTCCATGTCAGTATAATAGCTGATAACGGTTTCACACACCACTAAGTCTCCAGAA-3'
Protein context (NP_689522.2, residues 259-279): VISYYTDMEE[Ile269Met]GNLLSNAANP

ClinVar aggregate classification (germline): Uncertain significance (1 of 4 stars; one submission).

Conditions:
Infantile spasms. Also called: Infantile spasm. Identifiers: MedGen C3887898, HP:0012469.

Submission:

Labcorp Genetics (formerly Invitae), Labcorp
Classification: Uncertain significance for Infantile spasms. Last evaluated: 2019-12-18. Review status: criteria provided, single submitter. Criteria: Invitae Variant Classification Sherloc (09022015). Collection method: clinical testing. Allele origin: germline.
Comment: This sequence change replaces isoleucine with methionine at codon 269 of the PIK3AP1 protein (p.Ile269Met). The isoleucine residue is moderately conserved and there is a small physicochemical difference between isoleucine and methionine. This variant is not present in population databases (ExAC no frequency). This variant has not been reported in the literature in individuals with PIK3AP1-related conditions. Algorithms developed to predict the effect of missense changes on protein structure and function are either unavailable or do not agree on the potential impact of this missense change (SIFT: "Deleterious"; PolyPhen-2: "Possibly Damaging"; Align-GVGD: "Class C0"). In summary, the available evidence is currently insufficient to determine the role of this variant in disease. Therefore, it has been classified as a Variant of Uncertain Significance.